The following is an entry in ClinVar:

NM_001556.3(IKBKB):c.1205C>G (p.Ser402Cys)

Gene: IKBKB (inhibitor of nuclear factor kappa B kinase subunit beta; plus strand). Cytogenetic location: 8p11.21.
Variant type: single nucleotide variant.
Coding change: c.1205C>G on transcript NM_001556.3 (MANE Select); coding-DNA position 1205, C replaced by G.
Protein change: p.Ser402Cys; replaces serine 402 with cysteine.
Molecular consequence: missense variant. On other transcripts: non-coding transcript variant (3).
Genome position (GRCh38, 1-based): chr8:42,317,736, C>G. VCF-style: chr8-42317736-C-G. GRCh37 (hg19) VCF-style: chr8-42175254-C-G.
Other names: c.1013C>G, p.Ser338Cys (NM_001190720.3); c.1028C>G, p.Ser343Cys (NM_001242778.2); short protein forms S338C, S402C, S343C.
Identifiers: ClinVar variation 2846316 (VCV002846316.3), dbSNP rs2487668358, ClinGen allele CA371087210.
Genomic context (GRCh38, chr8:42,317,736, plus strand): 5'-TGGACATGGATCTTGTTTTTCTCTTTGACAACAGTAAAATCACCTATGAGACTCAGATCT[C>G]CCCACGGCCCCAACCTGAAAGTGTCAGCTGTATCCGTAAGAATTTGTTATGTTTTGTTTT-3'
Protein context (NP_001547.1, residues 392-412): NSKITYETQI[Ser402Cys]PRPQPESVSC

ClinVar aggregate classification (germline): Uncertain significance (1 of 4 stars; one submission).

Conditions:
Severe combined immunodeficiency due to IKK2 deficiency. Also called: Immunodeficiency 15; IMMUNODEFICIENCY 15B. Identifiers: Orphanet 397787, MedGen C4747743, MONDO:0014267, OMIM 615592.

Allele frequency attached by ClinVar (database versions not stated): gnomAD exomes below 0.00001.
gnomAD v4.1: 1 of 1,613,236 alleles (0.000062%); highest among the groups gnomAD compares: Admixed American, 0.0017%; no homozygotes.

Submission:

Labcorp Genetics (formerly Invitae), Labcorp
Classification: Uncertain significance for Severe combined immunodeficiency due to IKK2 deficiency. Last evaluated: 2023-05-03. Review status: criteria provided, single submitter. Criteria: Invitae Variant Classification Sherloc (09022015). Collection method: clinical testing. Allele origin: germline.
Comment: In summary, the available evidence is currently insufficient to determine the role of this variant in disease. Therefore, it has been classified as a Variant of Uncertain Significance. Advanced modeling of protein sequence and biophysical properties (such as structural, functional, and spatial information, amino acid conservation, physicochemical variation, residue mobility, and thermodynamic stability) performed at Invitae indicates that this missense variant is not expected to disrupt IKBKB protein function. This variant has not been reported in the literature in individuals affected with IKBKB-related conditions. This variant is not present in population databases (gnomAD no frequency). This sequence change replaces serine, which is neutral and polar, with cysteine, which is neutral and slightly polar, at codon 402 of the IKBKB protein (p.Ser402Cys).